The following is an entry in ClinVar:

ClinVar aggregate classification (germline): Uncertain significance. Review status: criteria provided, multiple submitters, no conflicts (2 of 4 stars). 3 submissions from 3 submitters: Uncertain significance (3). Last evaluated 2025-08-31.

Conditions:
Familial adenomatous polyposis 1 (FAP1). Also called: FAMILIAL ADENOMATOUS POLYPOSIS 1, ATTENUATED; POLYPOSIS, ADENOMATOUS INTESTINAL. Identifiers: MedGen C2713442, MONDO:0021056, OMIM 175100. Disease mechanism: loss of function.
Hereditary cancer-predisposing syndrome. Also called: Neoplastic Syndromes, Hereditary; Tumor predisposition; Hereditary Cancer Syndrome; Hereditary neoplastic syndrome. Identifiers: Orphanet 140162, MedGen C0027672, MeSH D009386, MONDO:0015356.

Submissions (3):

Ambry Genetics
Classification: Uncertain significance for Hereditary cancer-predisposing syndrome. Last evaluated: 2025-08-31. Review status: criteria provided, single submitter. Criteria: Ambry Variant Classification Scheme 2023. Collection method: clinical testing. Allele origin: germline.

Labcorp Genetics (formerly Invitae), Labcorp
Classification: Uncertain significance for Familial adenomatous polyposis 1. Last evaluated: 2025-05-04. Review status: criteria provided, single submitter. Criteria: Invitae Variant Classification Sherloc (09022015). Collection method: clinical testing. Allele origin: germline.
Comment: This sequence change replaces aspartic acid, which is acidic and polar, with histidine, which is basic and polar, at codon 1566 of the APC protein (p.Asp1566His). This variant is not present in population databases (gnomAD no frequency). This variant has not been reported in the literature in individuals affected with APC-related conditions. ClinVar contains an entry for this variant (Variation ID: 482249). Invitae Evidence Modeling of protein sequence and biophysical properties (such as structural, functional, and spatial information, amino acid conservation, physicochemical variation, residue mobility, and thermodynamic stability) indicates that this missense variant is not expected to disrupt APC protein function with a negative predictive value of 95%. In summary, the available evidence is currently insufficient to determine the role of this variant in disease. Therefore, it has been classified as a Variant of Uncertain Significance.

Baylor Genetics
Classification: Uncertain significance for Familial adenomatous polyposis 1. Last evaluated: 2023-10-10. Review status: criteria provided, single submitter. Criteria: ACMG Guidelines, 2015. Collection method: clinical testing. Allele origin: unknown.

NM_000038.6(APC):c.4696G>C (p.Asp1566His)

Gene: APC (APC regulator of Wnt signaling pathway; plus strand). Cytogenetic location: 5q22.2.
Variant type: single nucleotide variant.
Coding change: c.4696G>C on transcript NM_000038.6 (MANE Select); coding-DNA position 4696, G replaced by C.
Protein change: p.Asp1566His; replaces aspartic acid 1566 with histidine.
Molecular consequence: missense variant.
Genome position (GRCh38, 1-based): chr5:112,840,290, G>C. VCF-style: chr5-112840290-G-C. GRCh37 (hg19) VCF-style: chr5-112175987-G-C.
Other names: c.3847G>C, p.Asp1283His (NM_001354906.2); c.4696G>C, p.Asp1566His (NM_001127510.3, NM_001354895.2); c.4642G>C, p.Asp1548His (NM_001127511.3); c.4750G>C, p.Asp1584His (NM_001354896.2); c.4726G>C, p.Asp1576His (NM_001354897.2); c.4621G>C, p.Asp1541His (NM_001354898.2); c.4612G>C, p.Asp1538His (NM_001354899.2); c.4573G>C, p.Asp1525His (NM_001354900.2); and 5 more; short protein forms D1566H, D1548H, D1541H, D1283H, D1406H, D1440H, D1507H, D1525H.
Identifiers: ClinVar variation 482249 (VCV000482249.18), dbSNP rs1554086111, ClinGen allele CA16031627.
Genomic context (GRCh38, chr5:112,840,290, plus strand): 5'-AATGAAAACCAAGAGAAAGAGGCAGAAAAAACTATTGATTCTGAAAAGGACCTATTAGAT[G>C]ATTCAGATGATGATGATATTGAAATACTAGAAGAATGTATTATTTCTGCCATGCCAACAA-3'
Protein context (NP_000029.2, residues 1556-1576): TIDSEKDLLD[Asp1566His]SDDDDIEILE